The following is an entry in ClinVar:

NM_176869.3(PPA2):c.785C>T (p.Ala262Val)

Gene: PPA2 (inorganic pyrophosphatase 2; minus strand). Cytogenetic location: 4q24.
Variant type: single nucleotide variant.
Coding change: c.785C>T on transcript NM_176869.3 (MANE Select); coding-DNA position 785, C replaced by T.
Protein change: p.Ala262Val; replaces alanine 262 with valine.
Molecular consequence: missense variant.
Genome position (GRCh38, 1-based): chr4:105,396,333, G>A on the plus strand (C>T on the coding strand, the complement: PPA2 is on the minus strand). VCF-style: chr4-105396333-G-A. GRCh37 (hg19) VCF-style: chr4-106317490-G-A.
Other names: c.698C>T, p.Ala233Val (NM_006903.4); c.479C>T, p.Ala160Val (NM_176866.2); c.287C>T, p.Ala96Val (NM_176867.3); short protein forms A233V, A96V, A160V, A262V.
Identifiers: ClinVar variation 1463601 (VCV001463601.6), dbSNP rs768973398, ClinGen allele CA3032411.

ClinVar aggregate classification (germline): Uncertain significance (1 of 4 stars; one submission).

Allele frequency attached by ClinVar (database versions not stated): TOPMed below 0.00001; ExAC 0.00001; gnomAD 0.00001; gnomAD exomes 0.00002.
gnomAD v4.1: 31 of 1,570,086 alleles (0.002%); highest among the groups gnomAD compares: Non-Finnish European, 0.0027%; no homozygotes.

Submission:

Labcorp Genetics (formerly Invitae), Labcorp
Classification: Uncertain significance. Last evaluated: 2022-09-01. Review status: criteria provided, single submitter. Criteria: Invitae Variant Classification Sherloc (09022015). Collection method: clinical testing. Allele origin: germline.
Comment: Algorithms developed to predict the effect of missense changes on protein structure and function (SIFT, PolyPhen-2, Align-GVGD) all suggest that this variant is likely to be tolerated. ClinVar contains an entry for this variant (Variation ID: 1463601). This variant has not been reported in the literature in individuals affected with PPA2-related conditions. This variant is present in population databases (rs768973398, gnomAD 0.001%). This sequence change replaces alanine, which is neutral and non-polar, with valine, which is neutral and non-polar, at codon 262 of the PPA2 protein (p.Ala262Val). In summary, the available evidence is currently insufficient to determine the role of this variant in disease. Therefore, it has been classified as a Variant of Uncertain Significance.